The following is an entry in ClinVar:

ClinVar aggregate classification (germline): Likely benign (1 of 4 stars; one submission).

Allele frequency attached by ClinVar (database versions not stated): 1000 Genomes Project 0.01438; 1000 Genomes Project 30x 0.01515; TOPMed 0.01538.
gnomAD v4.1: 2,082 of 152,288 alleles (1.4%); highest among the groups gnomAD compares: African/African-American, 4.7%; 42 homozygotes.

Submission:

GeneDx
Classification: Likely benign. Last evaluated: 2018-06-19. Review status: criteria provided, single submitter. Criteria: GeneDx Variant Classification (06012015). Collection method: clinical testing. Allele origin: germline. Affected: yes.
Comment: This variant is considered likely benign or benign based on one or more of the following criteria: it is a conservative change, it occurs at a poorly conserved position in the protein, it is predicted to be benign by multiple in silico algorithms, and/or has population frequency not consistent with disease.

NM_001103.4(ACTN2):c.1839+256T>C

Gene: ACTN2 (actinin alpha 2; plus strand). Cytogenetic location: 1q43.
Variant type: single nucleotide variant.
Coding change: c.1839+256T>C on transcript NM_001103.4 (MANE Select); 256 bases into the intron after coding-DNA position 1839, T replaced by C.
Molecular consequence: intron variant.
Genome position (GRCh38, 1-based): chr1:236,751,908, T>C. VCF-style: chr1-236751908-T-C. GRCh37 (hg19) VCF-style: chr1-236915208-T-C.
Other names: c.1215+256T>C (NM_001278344.2); c.1839+256T>C (NM_001278343.2).
Identifiers: ClinVar variation 671825 (VCV000671825.1), dbSNP rs150715956, ClinGen allele CA39739173.